The following is an entry in ClinVar:

NM_024675.4(PALB2):c.1414C>T (p.Gln472Ter)

Gene: PALB2 (partner and localizer of BRCA2; minus strand). Cytogenetic location: 16p12.2.
Variant type: single nucleotide variant.
Coding change: c.1414C>T on transcript NM_024675.4 (MANE Select); coding-DNA position 1414, C replaced by T.
Protein change: p.Gln472Ter; replaces glutamine 472 with a stop codon.
Molecular consequence: nonsense. On other transcripts: intron variant (3).
Genome position (GRCh38, 1-based): chr16:23,635,132, G>A on the plus strand (C>T on the coding strand, the complement: PALB2 is on the minus strand). VCF-style: chr16-23635132-G-A. GRCh37 (hg19) VCF-style: chr16-23646453-G-A.
Other names: c.49-5857C>T (NM_001407314.1); c.-104-4663C>T (NM_001407313.1, NM_001407312.1); c.529C>T, p.Gln177Ter (NM_001407310.1, NM_001407311.1, NM_001407304.1 and 5 more transcripts); c.1354C>T, p.Gln452Ter (NM_001407296.1); c.1414C>T, p.Gln472Ter (NM_001407297.1, NM_001407298.1, NM_001407299.1 and 3 more transcripts); short protein forms Q177*, Q452*, Q472*.
Identifiers: ClinVar variation 2673862 (VCV002673862.2), dbSNP rs2142416694, ClinGen allele CA395131320.

ClinVar aggregate classification (germline): Pathogenic. Review status: criteria provided, multiple submitters, no conflicts (2 of 4 stars). 2 submissions from 2 submitters: Pathogenic (2). Last evaluated 2024-08-09.

Conditions:
Hereditary cancer-predisposing syndrome. Also called: Tumor predisposition; Hereditary neoplastic syndrome; Neoplastic Syndromes, Hereditary; Hereditary Cancer Syndrome. Identifiers: Orphanet 140162, MedGen C0027672, MeSH D009386, MONDO:0015356.
Familial cancer of breast. Also called: Hereditary breast cancer; BREAST CANCER, FAMILIAL; hereditary breast carcinoma. Identifiers: Orphanet 227535, MedGen C0346153, MONDO:0016419, OMIM 114480. Disease mechanism: loss of function.

Allele frequency attached by ClinVar (database versions not stated): gnomAD exomes below 0.00001.
gnomAD v4.1: 1 of 1,614,198 alleles (0.000062%); highest among the groups gnomAD compares: Non-Finnish European, 0.000085%; no homozygotes.

Submissions (2):

Ambry Genetics
Classification: Pathogenic for Hereditary cancer-predisposing syndrome. Last evaluated: 2024-08-09. Review status: criteria provided, single submitter. Criteria: Ambry Variant Classification Scheme 2023. Collection method: clinical testing. Allele origin: germline.
Comment: The p.Q472* pathogenic mutation (also known as c.1414C>T), located in coding exon 4 of the PALB2 gene, results from a C to T substitution at nucleotide position 1414. This changes the amino acid from a glutamine to a stop codon within coding exon 4. This variant is considered to be rare based on population cohorts in the Genome Aggregation Database (gnomAD). This alteration is expected to result in loss of function by premature protein truncation or nonsense-mediated mRNA decay. As such, this alteration is interpreted as a disease-causing mutation.

Myriad Genetics, Inc.
Classification: Pathogenic for Familial cancer of breast. Last evaluated: 2023-09-08. Review status: criteria provided, single submitter. Criteria: Myriad Autosomal Dominant, Autosomal Recessive and X-Linked Classification Criteria (2023). Collection method: clinical testing. Allele origin: unknown.
Comment: This variant is considered pathogenic. This variant creates a termination codon and is predicted to result in premature protein truncation.